The following is an entry in ClinVar:

ClinVar aggregate classification (germline): Uncertain significance (1 of 4 stars; one submission).

Allele frequency attached by ClinVar (database versions not stated): gnomAD exomes 0.00001; TOPMed 0.00002; ExAC 0.00001; gnomAD 0.00001.
gnomAD v4.1: 11 of 1,604,202 alleles (0.00069%); highest among the groups gnomAD compares: Non-Finnish European, 0.00077%; no homozygotes.

Submission:

GeneDx
Classification: Uncertain significance. Last evaluated: 2023-09-28. Review status: criteria provided, single submitter. Criteria: GeneDx Variant Classification Process June 2021. Collection method: clinical testing. Allele origin: germline. Affected: yes.
Comment: Not observed at significant frequency in large population cohorts (gnomAD); In silico analysis supports that this missense variant does not alter protein structure/function; Has not been previously published as pathogenic or benign to our knowledge

NM_016824.5(ADD3):c.1421C>T (p.Ser474Leu)

Gene: ADD3 (adducin 3; plus strand). Cytogenetic location: 10q25.2.
Variant type: single nucleotide variant.
Coding change: c.1421C>T on transcript NM_016824.5 (MANE Select); coding-DNA position 1421, C replaced by T.
Protein change: p.Ser474Leu; replaces serine 474 with leucine.
Molecular consequence: missense variant.
Genome position (GRCh38, 1-based): chr10:110,125,845, C>T. VCF-style: chr10-110125845-C-T. GRCh37 (hg19) VCF-style: chr10-111885603-C-T.
Other names: c.1421C>T, p.Ser474Leu (NM_001121.4, NM_001320591.2, NM_001320592.2 and 2 more transcripts); c.1187C>T, p.Ser396Leu (NM_001320594.2); short protein forms S396L, S474L.
Identifiers: ClinVar variation 3253131 (VCV003253131.1), dbSNP rs764577167.